The following is an entry in ClinVar:

ClinVar aggregate classification (germline): Uncertain significance (1 of 4 stars; one submission).

gnomAD v4.1: 5 of 1,614,030 alleles (0.00031%); highest among the groups gnomAD compares: Admixed American, 0.0017%; no homozygotes.

Submission:

Labcorp Genetics (formerly Invitae), Labcorp
Classification: Uncertain significance. Last evaluated: 2024-02-25. Review status: criteria provided, single submitter. Criteria: Invitae Variant Classification Sherloc (09022015). Collection method: clinical testing. Allele origin: germline.
Comment: This sequence change replaces isoleucine, which is neutral and non-polar, with valine, which is neutral and non-polar, at codon 287 of the TAB2 protein (p.Ile287Val). This variant is present in population databases (no rsID available, gnomAD 0.002%). This variant has not been reported in the literature in individuals affected with TAB2-related conditions. Advanced modeling of protein sequence and biophysical properties (such as structural, functional, and spatial information, amino acid conservation, physicochemical variation, residue mobility, and thermodynamic stability) performed at Invitae indicates that this missense variant is not expected to disrupt TAB2 protein function with a negative predictive value of 80%. In summary, the available evidence is currently insufficient to determine the role of this variant in disease. Therefore, it has been classified as a Variant of Uncertain Significance.

NM_001292034.3(TAB2):c.859A>G (p.Ile287Val)

Genes: TAB2 (TGF-beta activated kinase 1 (MAP3K7) binding protein 2; plus strand), LOC126859827 (BRD4-independent group 4 enhancer GRCh37_chr6:149699707-149700906; plus strand). Cytogenetic location: 6q25.1.
Variant type: single nucleotide variant.
Coding change: c.859A>G on transcript NM_001292034.3 (MANE Select); coding-DNA position 859, A replaced by G.
Protein change: p.Ile287Val; replaces isoleucine 287 with valine.
Molecular consequence: missense variant.
Genome position (GRCh38, 1-based): chr6:149,378,774, A>G. VCF-style: chr6-149378774-A-G. GRCh37 (hg19) VCF-style: chr6-149699910-A-G.
Other names: c.763A>G, p.Ile255Val (NM_001292035.3); c.859A>G, p.Ile287Val (NM_001369506.1, NM_015093.6); short protein forms I255V, I287V.
Identifiers: ClinVar variation 3615710 (VCV003615710.2).
Genomic context (GRCh38, chr6:149,378,774, plus strand): 5'-CATACCTCATCTCAACAGCCAAATCAGCAAGGCCACCAGACCTCTCATGTCTACATGCCA[A>G]TCAGTTCACCTACTACTTCACAACCACCAACCATTCATTCATCTGGTAGCTCACAGTCTT-3'
Protein context (NP_001278963.1, residues 277-297): GHQTSHVYMP[Ile287Val]SSPTTSQPPT